The following is an entry in ClinVar:

NM_004855.5(PIGB):c.842G>A (p.Gly281Asp)

Gene: PIGB (phosphatidylinositol glycan anchor biosynthesis class B; plus strand). Cytogenetic location: 15q21.3.
Variant type: single nucleotide variant.
Coding change: c.842G>A on transcript NM_004855.5 (MANE Select); coding-DNA position 842, G replaced by A.
Protein change: p.Gly281Asp; replaces glycine 281 with aspartic acid.
Molecular consequence: missense variant.
Genome position (GRCh38, 1-based): chr15:55,339,314, G>A. VCF-style: chr15-55339314-G-A. GRCh37 (hg19) VCF-style: chr15-55631512-G-A.
Other names: short protein forms G281D.
Identifiers: ClinVar variation 1931610 (VCV001931610.5), dbSNP rs1341232935, ClinGen allele CA392542722.
Genomic context (GRCh38, chr15:55,339,314, plus strand): 5'-TTTTGTTTTTCAGCTTTGTTACTTTGAGTTTGTCTCTGATGATTGATCGTATTTTTTTTG[G>A]CCAAGTAAGTAAAAGTATATTAAGCTAACAGCTATTTTTATTTTTAATCCATTAATACTT-3'
Protein context (NP_004846.4, residues 271-291): LSLMIDRIFF[Gly281Asp]QWTLVQFNFL

ClinVar aggregate classification (germline): Uncertain significance (1 of 4 stars; one submission).

Allele frequency attached by ClinVar (database versions not stated): gnomAD exomes below 0.00001.
gnomAD v4.1: 3 of 1,548,420 alleles (0.00019%); highest among the groups gnomAD compares: Non-Finnish European, 0.00026%; no homozygotes.

Submission:

Labcorp Genetics (formerly Invitae), Labcorp
Classification: Uncertain significance. Last evaluated: 2022-06-29. Review status: criteria provided, single submitter. Criteria: Invitae Variant Classification Sherloc (09022015). Collection method: clinical testing. Allele origin: germline.
Comment: This sequence change replaces glycine, which is neutral and non-polar, with aspartic acid, which is acidic and polar, at codon 281 of the PIGB protein (p.Gly281Asp). The frequency data for this variant in the population databases is considered unreliable, as metrics indicate poor data quality at this position in the gnomAD database. This variant has not been reported in the literature in individuals affected with PIGB-related conditions. Algorithms developed to predict the effect of missense changes on protein structure and function are either unavailable or do not agree on the potential impact of this missense change (SIFT: "Tolerated"; PolyPhen-2: "Probably Damaging"; Align-GVGD: "Class C0"). In summary, the available evidence is currently insufficient to determine the role of this variant in disease. Therefore, it has been classified as a Variant of Uncertain Significance.